The following is an entry in ClinVar:

ClinVar aggregate classification (germline): Uncertain significance. Review status: criteria provided, multiple submitters, no conflicts (2 of 4 stars). 3 submissions from 3 submitters: Uncertain significance (3). Last evaluated 2024-12-25.

Conditions:
Hereditary cancer-predisposing syndrome. Also called: Neoplastic Syndromes, Hereditary; Tumor predisposition; Hereditary neoplastic syndrome; Hereditary Cancer Syndrome. Identifiers: Orphanet 140162, MedGen C0027672, MeSH D009386, MONDO:0015356.
Rhabdoid tumor predisposition syndrome 2 (RTPS2). Identifiers: Orphanet 231108, Orphanet 69077, MedGen C2750074, MONDO:0013224, OMIM 613325.

Submissions (3):

Labcorp Genetics (formerly Invitae), Labcorp
Classification: Uncertain significance for Rhabdoid tumor predisposition syndrome 2. Last evaluated: 2024-12-25. Review status: criteria provided, single submitter. Criteria: Invitae Variant Classification Sherloc (09022015). Collection method: clinical testing. Allele origin: germline.
Comment: This sequence change replaces asparagine, which is neutral and polar, with aspartic acid, which is acidic and polar, at codon 770 of the SMARCA4 protein (p.Asn770Asp). This variant is not present in population databases (gnomAD no frequency). This variant has not been reported in the literature in individuals affected with SMARCA4-related conditions. ClinVar contains an entry for this variant (Variation ID: 3233090). Invitae Evidence Modeling of protein sequence and biophysical properties (such as structural, functional, and spatial information, amino acid conservation, physicochemical variation, residue mobility, and thermodynamic stability) indicates that this missense variant is expected to disrupt SMARCA4 protein function with a positive predictive value of 95%. In summary, the available evidence is currently insufficient to determine the role of this variant in disease. Therefore, it has been classified as a Variant of Uncertain Significance.

GeneDx
Classification: Uncertain significance. Last evaluated: 2024-08-01. Review status: criteria provided, single submitter. Criteria: GeneDx Variant Classification Process June 2021. Collection method: clinical testing. Allele origin: germline. Affected: yes.
Comment: Not observed at significant frequency in large population cohorts (gnomAD); In silico analysis supports that this missense variant has a deleterious effect on protein structure/function; Has not been previously published as pathogenic or benign to our knowledge

Ambry Genetics
Classification: Uncertain significance for Hereditary cancer-predisposing syndrome. Last evaluated: 2023-12-29. Review status: criteria provided, single submitter. Criteria: Ambry Variant Classification Scheme 2023. Collection method: clinical testing. Allele origin: germline.
Comment: The p.N770D variant (also known as c.2308A>G), located in coding exon 15 of the SMARCA4 gene, results from an A to G substitution at nucleotide position 2308. The asparagine at codon 770 is replaced by aspartic acid, an amino acid with highly similar properties. This amino acid position is highly conserved in available vertebrate species. In addition, the in silico prediction for this alteration is inconclusive. Missense and in-frame variants in SMARCA4 are known to cause neurodevelopmental disorders; however, such associations with rhabdoid tumor predisposition syndrome including small cell carcinoma of the ovary-hypercalcemic type (SCCOHT) are exceedingly rare (Kosho T et al. Am J Med Genet C Semin Med Genet. 2014 Sep;166C(3):262-75; Jelinic P et al. Nat Genet. 2014 May;46(5):424-6). Since supporting evidence is limited at this time, the clinical significance of this alteration remains unclear.

NM_003072.5(SMARCA4):c.2308A>G (p.Asn770Asp)

Gene: SMARCA4 (SWI/SNF related BAF chromatin remodeling complex subunit ATPase 4; plus strand). Cytogenetic location: 19p13.2.
Variant type: single nucleotide variant.
Coding change: c.2308A>G on transcript NM_003072.5 (MANE Select); coding-DNA position 2308, A replaced by G.
Protein change: p.Asn770Asp; replaces asparagine 770 with aspartic acid.
Molecular consequence: missense variant. On other transcripts: non-coding transcript variant (1).
Genome position (GRCh38, 1-based): chr19:11,012,982, A>G. VCF-style: chr19-11012982-A-G. GRCh37 (hg19) VCF-style: chr19-11123658-A-G.
Other names: c.2308A>G, p.Asn770Asp (NM_001128844.3, NM_001128845.2, NM_001128846.2 and 6 more transcripts); short protein forms N770D.
Identifiers: ClinVar variation 3233090 (VCV003233090.4), dbSNP rs2146277621, ClinGen allele CA404053070.